The following is an entry in ClinVar:

ClinVar aggregate classification (germline): Uncertain significance (1 of 4 stars; one submission).

Conditions:
Neonatal encephalomyopathy-cardiomyopathy-respiratory distress syndrome. Also called: Coenzyme Q10 deficiency, primary, 7. Identifiers: Orphanet 457185, MedGen C5568562, MONDO:0014562, OMIM 616276.

gnomAD v4.1: 2 of 1,590,080 alleles (0.00013%); highest among the groups gnomAD compares: African/African-American, 0.0013%; no homozygotes.

Submission:

Labcorp Genetics (formerly Invitae), Labcorp
Classification: Uncertain significance for Neonatal encephalomyopathy-cardiomyopathy-respiratory distress syndrome. Last evaluated: 2021-01-14. Review status: criteria provided, single submitter. Criteria: Invitae Variant Classification Sherloc (09022015). Collection method: clinical testing. Allele origin: germline.
Comment: This sequence change replaces arginine with proline at codon 11 of the COQ4 protein (p.Arg11Pro). The arginine residue is weakly conserved and there is a moderate physicochemical difference between arginine and proline. This variant is not present in population databases (ExAC no frequency) and has not been reported in the literature in individuals with a COQ4-related disease. Algorithms developed to predict the effect of missense changes on protein structure and function output the following: SIFT: "Tolerated"; PolyPhen-2: "Benign"; Align-GVGD: "Class C0". The proline amino acid residue is found in multiple mammalian species, suggesting that this missense change does not adversely affect protein function. These predictions have not been confirmed by published functional studies. In summary, this variant is a novel missense change that is not predicted to affect protein function. There is no indication that it causes disease, but the available evidence is currently insufficient to prove that conclusively. Therefore, it has been classified as a Variant of Uncertain Significance.

NM_016035.5(COQ4):c.32G>C (p.Arg11Pro)

Gene: COQ4 (coenzyme Q4; plus strand). Cytogenetic location: 9q34.11.
Variant type: single nucleotide variant.
Coding change: c.32G>C on transcript NM_016035.5 (MANE Select); coding-DNA position 32, G replaced by C.
Protein change: p.Arg11Pro; replaces arginine 11 with proline.
Molecular consequence: missense variant.
Genome position (GRCh38, 1-based): chr9:128,322,890, G>C. VCF-style: chr9-128322890-G-C. GRCh37 (hg19) VCF-style: chr9-131085169-G-C.
Other names: c.32G>C, p.Arg11Pro (NM_001305942.2); short protein forms R11P.
Identifiers: ClinVar variation 476178 (VCV000476178.8), dbSNP rs770687111, ClinGen allele CA375016991.